The following is an entry in ClinVar:

NM_001378120.1(MBD5):c.2567C>T (p.Pro856Leu)

Gene: MBD5 (methyl-CpG binding domain protein 5; plus strand). Cytogenetic location: 2q23.1.
Variant type: single nucleotide variant.
Coding change: c.2567C>T on transcript NM_001378120.1 (MANE Select); coding-DNA position 2567, C replaced by T.
Protein change: p.Pro856Leu; replaces proline 856 with leucine.
Molecular consequence: missense variant.
Genome position (GRCh38, 1-based): chr2:148,483,158, C>T. VCF-style: chr2-148483158-C-T. GRCh37 (hg19) VCF-style: chr2-149240727-C-T.
Other names: c.2567C>T, p.Pro856Leu (NM_018328.5); short protein forms P856L.
Identifiers: ClinVar variation 1706270 (VCV001706270.5), dbSNP rs747358092, ClinGen allele CA1900194.

ClinVar aggregate classification (germline): Uncertain significance. Review status: criteria provided, multiple submitters, no conflicts (2 of 4 stars). 2 submissions from 2 submitters: Uncertain significance (2). Last evaluated 2024-09-10.

Conditions:
Intellectual developmental disorder, autosomal dominant 1. Also called: Intellectual disability, autosomal dominant 1; MBD5 Haploinsufficiency. Identifiers: Orphanet 228402, MedGen C1969562, MONDO:0007974, OMIM 156200.

Allele frequency attached by ClinVar (database versions not stated): ExAC 0.00001.

Submissions (2):

Labcorp Genetics (formerly Invitae), Labcorp
Classification: Uncertain significance for Intellectual developmental disorder, autosomal dominant 1. Last evaluated: 2024-09-10. Review status: criteria provided, single submitter. Criteria: Invitae Variant Classification Sherloc (09022015). Collection method: clinical testing. Allele origin: germline.
Comment: This sequence change replaces proline, which is neutral and non-polar, with leucine, which is neutral and non-polar, at codon 856 of the MBD5 protein (p.Pro856Leu). This variant is present in population databases (rs747358092, gnomAD 0.003%). This variant has not been reported in the literature in individuals affected with MBD5-related conditions. ClinVar contains an entry for this variant (Variation ID: 1706270). Invitae Evidence Modeling of protein sequence and biophysical properties (such as structural, functional, and spatial information, amino acid conservation, physicochemical variation, residue mobility, and thermodynamic stability) indicates that this missense variant is not expected to disrupt MBD5 protein function with a negative predictive value of 80%. In summary, the available evidence is currently insufficient to determine the role of this variant in disease. Therefore, it has been classified as a Variant of Uncertain Significance.

GeneDx
Classification: Uncertain significance. Last evaluated: 2023-09-05. Review status: criteria provided, single submitter. Criteria: GeneDx Variant Classification Process June 2021. Collection method: clinical testing. Allele origin: germline.
Comment: Not observed at significant frequency in large population cohorts (gnomAD); In silico analysis supports that this missense variant has a deleterious effect on protein structure/function; Has not been previously published as pathogenic or benign to our knowledge